The following is an entry in ClinVar:

NM_001243177.4(ALDOA):c.1072C>T (p.Arg358Ter)

Genes: ALDOA (aldolase, fructose-bisphosphate A; plus strand), LOC112694756 (uncharaterized LOC112694756; plus strand). Cytogenetic location: 16p11.2.
Variant type: single nucleotide variant.
Coding change: c.1072C>T on transcript NM_001243177.4 (MANE Select); coding-DNA position 1072, C replaced by T.
Protein change: p.Arg358Ter; replaces arginine 358 with a stop codon.
Molecular consequence: nonsense. On other transcripts: 3 prime UTR variant (3).
Genome position (GRCh38, 1-based): chr16:30,069,940, C>T. VCF-style: chr16-30069940-C-T. GRCh37 (hg19) VCF-style: chr16-30081261-C-T.
Other names: c.*1419C>T (NM_001365304.2, NM_001365305.2, NM_001365307.2); c.910C>T, p.Arg304Ter (NM_001127617.2, NM_184041.5, NM_184043.2); short protein forms R304*, R358*.
Identifiers: ClinVar variation 4710258 (VCV004710258.1).

ClinVar aggregate classification (germline): Pathogenic (1 of 4 stars; one submission).

Conditions:
HNSHA due to aldolase A deficiency (GSD12). Also called: GLYCOGEN STORAGE DISEASE XII; GSD XII; RED CELL ALDOLASE DEFICIENCY; Glycogen storage disease due to aldolase A deficiency. Identifiers: Orphanet 57, MedGen C0272066, MONDO:0012747, OMIM 611881.

gnomAD v4.1: 16 of 1,613,928 alleles (0.00099%); highest among the groups gnomAD compares: South Asian, 0.0022%; no homozygotes.

Submission:

Labcorp Genetics (formerly Invitae), Labcorp
Classification: Pathogenic for HNSHA due to aldolase A deficiency. Last evaluated: 2025-10-09. Review status: criteria provided, single submitter. Criteria: Invitae Variant Classification Sherloc (09022015). Collection method: clinical testing. Allele origin: germline.
Comment: This sequence change creates a premature translational stop signal (p.Arg304*) in the ALDOA gene. It is expected to result in an absent or disrupted protein product. Loss-of-function variants in ALDOA are known to be pathogenic (PMID: 2825199, 14615364). This variant is present in population databases (no rsID available, gnomAD 0.002%). This variant has not been reported in the literature in individuals affected with ALDOA-related conditions. This variant is also known as c.931C>T (p.Arg303X). For these reasons, this variant has been classified as Pathogenic.

Literature cited by the submitters: PubMed 2825199; PubMed 14615364.